The following is an entry in ClinVar:

ClinVar aggregate classification (germline): Uncertain significance (1 of 4 stars; one submission).

gnomAD v4.1: 2 of 1,613,898 alleles (0.00012%); highest among the groups gnomAD compares: Non-Finnish European, 0.00017%; no homozygotes.

Submission:

Labcorp Genetics (formerly Invitae), Labcorp
Classification: Uncertain significance. Last evaluated: 2026-01-27. Review status: criteria provided, single submitter. Criteria: Invitae Variant Classification Sherloc (09022015). Collection method: clinical testing. Allele origin: germline.
Comment: This sequence change replaces glutamine, which is neutral and polar, with arginine, which is basic and polar, at codon 856 of the ELP1 protein (p.Gln856Arg). This variant is present in population databases (no rsID available, gnomAD 0.007%). This variant has not been reported in the literature in individuals affected with ELP1-related conditions. Invitae Evidence Modeling of protein sequence and biophysical properties (such as structural, functional, and spatial information, amino acid conservation, physicochemical variation, residue mobility, and thermodynamic stability) has been performed for this missense variant. However, the output from this modeling did not meet the statistical confidence thresholds required to predict the impact of this variant on ELP1 protein function. In summary, the available evidence is currently insufficient to determine the role of this variant in disease. Therefore, it has been classified as a Variant of Uncertain Significance.

NM_003640.5(ELP1):c.2567A>G (p.Gln856Arg)

Gene: ELP1 (elongator acetyltransferase complex subunit 1; minus strand). Cytogenetic location: 9q31.3.
Variant type: single nucleotide variant.
Coding change: c.2567A>G on transcript NM_003640.5 (MANE Select); coding-DNA position 2567, A replaced by G.
Protein change: p.Gln856Arg; replaces glutamine 856 with arginine.
Molecular consequence: missense variant.
Genome position (GRCh38, 1-based): chr9:108,896,973, T>C on the plus strand (A>G on the coding strand, the complement: ELP1 is on the minus strand). VCF-style: chr9-108896973-T-C. GRCh37 (hg19) VCF-style: chr9-111659253-T-C.
Other names: c.2225A>G, p.Gln742Arg (NM_001318360.2); c.1520A>G, p.Gln507Arg (NM_001330749.2); short protein forms Q742R, Q856R, Q507R.
Identifiers: ClinVar variation 4743986 (VCV004743986.1).